The following is an entry in ClinVar:

NM_199242.3(UNC13D):c.2642T>C (p.Leu881Pro)

Genes: UNC13D (unc-13 homolog D; minus strand), LOC112533672 (Sharpr-MPRA regulatory region 1193; plus strand). Cytogenetic location: 17q25.1.
Variant type: single nucleotide variant.
Coding change: c.2642T>C on transcript NM_199242.3 (MANE Select); coding-DNA position 2642, T replaced by C.
Protein change: p.Leu881Pro; replaces leucine 881 with proline.
Molecular consequence: missense variant.
Genome position (GRCh38, 1-based): chr17:75,830,645, A>G on the plus strand (T>C on the coding strand, the complement: UNC13D is on the minus strand). VCF-style: chr17-75830645-A-G. GRCh37 (hg19) VCF-style: chr17-73826726-A-G.
Other names: short protein forms L881P.
Identifiers: ClinVar variation 3768789 (VCV003768789.1).

ClinVar aggregate classification (germline): Uncertain significance (1 of 4 stars; one submission).

gnomAD v4.1: 13 of 1,554,560 alleles (0.00084%); highest among the groups gnomAD compares: Non-Finnish European, 0.0011%; no homozygotes.

Submission:

Women's Health and Genetics/Laboratory Corporation of America, LabCorp
Classification: Uncertain significance. Last evaluated: 2025-02-03. Review status: criteria provided, single submitter. Criteria: LabCorp Variant Classification Summary - May 2015. Collection method: clinical testing. Allele origin: germline.
Comment: Variant summary: UNC13D c.2642T>C (p.Leu881Pro) results in a non-conservative amino acid change located in the Munc13-homology domain 2 (MHD2) profile domain (IPR014772) of the encoded protein sequence. Five of five in-silico tools predict a damaging effect of the variant on protein function. The variant was absent in 160386 control chromosomes. c.2642T>C has been reported in the literature in compound heterozygous individuals affected with Familial Hemophagocytic Lymphohistiocytosis (e.g. Meeths_2011). These data indicate that the variant may be associated with disease. One publication reports experimental evidence evaluating an impact on protein function, showing the variant results in significantly reduced protein expression in vitro, however, does not provide sufficient evidence to determine the variant effect in disease (e.g. Shibata_2018). The following publications have been ascertained in the context of this evaluation (PMID: 21931115, 29549174). No submitters have cited clinical-significance assessments for this variant to ClinVar. Based on the evidence outlined above, the variant was classified as VUS-possibly pathogenic.

Literature cited by the submitters: PubMed 29549174; PubMed 21931115.